The following is an entry in ClinVar:

ClinVar aggregate classification (germline): Uncertain significance. Review status: criteria provided, multiple submitters, no conflicts (2 of 4 stars). 3 submissions from 3 submitters: Uncertain significance (3). Last evaluated 2025-09-04.

Conditions:
Myoclonic dystonia 26. Identifiers: MedGen C4225341, MONDO:0014620, OMIM 616398.

Allele frequency attached by ClinVar (database versions not stated): ExAC 0.00005; gnomAD exomes 0.00005; gnomAD 0.00008; TOPMed 0.00009; 1000 Genomes Project 30x 0.00031; 1000 Genomes Project 0.00040.
gnomAD v4.1: 461 of 1,608,274 alleles (0.029%); highest among the groups gnomAD compares: Non-Finnish European, 0.037%; no homozygotes.

Submissions (3):

Women's Health and Genetics/Laboratory Corporation of America, LabCorp
Classification: Uncertain significance. Last evaluated: 2025-09-04. Review status: criteria provided, single submitter. Criteria: LabCorp Variant Classification Summary - May 2015. Collection method: clinical testing. Allele origin: germline.
Comment: Variant summary: KCTD17 c.486+5G>A alters a non-conserved nucleotide located close to a canonical splice site and therefore could affect mRNA splicing, leading to a significantly altered protein sequence. Several computational tools predict a significant impact on normal splicing: Two predict the variant abolishes a canonical 5' splicing donor site. Two predict the variant weakens a canonical 5' donor site. However, these predictions have yet to be confirmed by functional studies. The variant allele was found at a frequency of 0.00029 in 1608274 control chromosomes. This frequency is not significantly higher than estimated for disease-causing variants in KCTD17, allowing no conclusion about variant significance. To our knowledge, no occurrence of c.486+5G>A in individuals affected with KCTD17-related conditions and no experimental evidence demonstrating its impact on protein function have been reported. ClinVar contains an entry for this variant (Variation ID: 654507). Based on the evidence outlined above, the variant was classified as uncertain significance.

Labcorp Genetics (formerly Invitae), Labcorp
Classification: Uncertain significance for Myoclonic dystonia 26. Last evaluated: 2023-04-09. Review status: criteria provided, single submitter. Criteria: Invitae Variant Classification Sherloc (09022015). Collection method: clinical testing. Allele origin: germline.
Comment: In summary, the available evidence is currently insufficient to determine the role of this variant in disease. Therefore, it has been classified as a Variant of Uncertain Significance. Variants that disrupt the consensus splice site are a relatively common cause of aberrant splicing (PMID: 17576681, 9536098). Algorithms developed to predict the effect of sequence changes on RNA splicing suggest that this variant is not likely to affect RNA splicing. ClinVar contains an entry for this variant (Variation ID: 654507). This variant has not been reported in the literature in individuals affected with KCTD17-related conditions. This variant is present in population databases (rs201383375, gnomAD 0.01%). This sequence change falls in intron 4 of the KCTD17 gene. It does not directly change the encoded amino acid sequence of the KCTD17 protein. It affects a nucleotide within the consensus splice site.

GeneDx
Classification: Uncertain significance. Last evaluated: 2021-10-27. Review status: criteria provided, single submitter. Criteria: GeneDx Variant Classification Process June 2021. Collection method: clinical testing. Allele origin: germline. Affected: yes.
Comment: Has not been previously published as pathogenic or benign to our knowledge; In-silico analysis, which includes splice predictors and evolutionary conservation, is inconclusive as to whether the variant alters gene splicing. In the absence of RNA/functional studies, the actual effect of this sequence change is unknown.

Literature cited by the submitters: PubMed 17576681 (cited by Labcorp Genetics (formerly Invitae), Labcorp); PubMed 9536098 (cited by Labcorp Genetics (formerly Invitae), Labcorp).

NM_001282684.2(KCTD17):c.486+5G>A

Gene: KCTD17 (potassium channel tetramerization domain containing 17; plus strand). Cytogenetic location: 22q12.3.
Variant type: single nucleotide variant.
Coding change: c.486+5G>A on transcript NM_001282684.2 (MANE Select); 5 bases into the intron after coding-DNA position 486, G replaced by A.
Molecular consequence: intron variant.
Genome position (GRCh38, 1-based): chr22:37,057,498, G>A. VCF-style: chr22-37057498-G-A. GRCh37 (hg19) VCF-style: chr22-37453538-G-A.
Other names: c.486+5G>A (NM_024681.4, NM_001282685.2, NM_001282686.2).
Identifiers: ClinVar variation 654507 (VCV000654507.9), dbSNP rs201383375, ClinGen allele CA10215043.
Genomic context (GRCh38, chr22:37,057,498, plus strand): 5'-AGGAGGAGCTCACGCAAATGGTCTCCACCATGTCTGATGGCTGGCGCTTCGAGCAGGTGC[G>A]CTGGGGACAGGGGCGTGCCACCAGGACAACCCTGGGACCTCCTAGCCTCTGACCAAGCAG-3'